The following is an entry in ClinVar:

NM_024675.4(PALB2):c.592C>T (p.His198Tyr)

Gene: PALB2 (partner and localizer of BRCA2; minus strand). Cytogenetic location: 16p12.2.
Variant type: single nucleotide variant.
Coding change: c.592C>T on transcript NM_024675.4 (MANE Select); coding-DNA position 592, C replaced by T.
Protein change: p.His198Tyr; replaces histidine 198 with tyrosine.
Molecular consequence: missense variant.
Genome position (GRCh38, 1-based): chr16:23,635,954, G>A on the plus strand (C>T on the coding strand, the complement: PALB2 is on the minus strand). VCF-style: chr16-23635954-G-A. GRCh37 (hg19) VCF-style: chr16-23647275-G-A.
Other names: short protein forms H198Y.
Identifiers: ClinVar variation 1035297 (VCV001035297.12), dbSNP rs1967036024, ClinGen allele CA395136723.

ClinVar aggregate classification (germline): Conflicting classifications of pathogenicity. Review status: criteria provided, conflicting classifications (1 of 4 stars). 2 submissions from 2 submitters: Uncertain significance (1); Likely benign (1). Last evaluated 2025-04-11.

Conditions:
Hereditary cancer-predisposing syndrome. Also called: Hereditary neoplastic syndrome; Neoplastic Syndromes, Hereditary; Tumor predisposition; Hereditary Cancer Syndrome. Identifiers: Orphanet 140162, MedGen C0027672, MeSH D009386, MONDO:0015356.
Familial cancer of breast. Also called: Hereditary breast cancer; BREAST CANCER, FAMILIAL; hereditary breast carcinoma. Identifiers: Orphanet 227535, MedGen C0346153, MONDO:0016419, OMIM 114480. Disease mechanism: loss of function.

Submissions (2):

Labcorp Genetics (formerly Invitae), Labcorp
Classification: Uncertain significance for Familial cancer of breast. Last evaluated: 2025-04-11. Review status: criteria provided, single submitter. Criteria: Invitae Variant Classification Sherloc (09022015). Collection method: clinical testing. Allele origin: germline.
Comment: This sequence change replaces histidine, which is basic and polar, with tyrosine, which is neutral and polar, at codon 198 of the PALB2 protein (p.His198Tyr). This variant is not present in population databases (gnomAD no frequency). This variant has not been reported in the literature in individuals affected with PALB2-related conditions. ClinVar contains an entry for this variant (Variation ID: 1035297). An algorithm developed to predict the effect of missense changes on protein structure and function outputs the following: PolyPhen-2: "Benign". The tyrosine amino acid residue is found in multiple mammalian species, which suggests that this missense change does not adversely affect protein function. In summary, the available evidence is currently insufficient to determine the role of this variant in disease. Therefore, it has been classified as a Variant of Uncertain Significance.

Ambry Genetics
Classification: Likely benign for Hereditary cancer-predisposing syndrome. Last evaluated: 2020-05-08. Review status: criteria provided, single submitter. Criteria: Ambry Variant Classification Scheme 2023. Collection method: clinical testing. Allele origin: germline.